The following is an entry in ClinVar:

NM_001142800.2(EYS):c.2378A>G (p.Tyr793Cys)

Gene: EYS (eyes shut homolog; minus strand). Cytogenetic location: 6q12.
Variant type: single nucleotide variant.
Coding change: c.2378A>G on transcript NM_001142800.2 (MANE Select); coding-DNA position 2378, A replaced by G.
Protein change: p.Tyr793Cys; replaces tyrosine 793 with cysteine.
Molecular consequence: missense variant.
Genome position (GRCh38, 1-based): chr6:64,945,796, T>C on the plus strand (A>G on the coding strand, the complement: EYS is on the minus strand). VCF-style: chr6-64945796-T-C. GRCh37 (hg19) VCF-style: chr6-65655689-T-C.
Other names: c.2378A>G, p.Tyr793Cys (NM_001292009.2); short protein forms Y793C.
Identifiers: ClinVar variation 940113 (VCV000940113.7), dbSNP rs1248002900, ClinGen allele CA364787886.

ClinVar aggregate classification (germline): Uncertain significance. Review status: criteria provided, single submitter (1 of 4 stars). 2 submissions from 2 submitters: Uncertain significance (1). 1 of the submissions does not count toward it. Last evaluated 2022-08-15.

Conditions:
Retinitis pigmentosa 25 (RP25). Identifiers: Orphanet 791, MedGen C1864446, MONDO:0011272, OMIM 602772.

Allele frequency attached by ClinVar (database versions not stated): gnomAD 0.00001; gnomAD exomes 0.00001; TOPMed 0.00001.
gnomAD v4.1: 8 of 1,549,140 alleles (0.00052%); highest among the groups gnomAD compares: Admixed American, 0.0039%; no homozygotes.

Submissions (2):

Labcorp Genetics (formerly Invitae), Labcorp
Classification: Uncertain significance. Last evaluated: 2022-08-15. Review status: criteria provided, single submitter. Criteria: Invitae Variant Classification Sherloc (09022015). Collection method: clinical testing. Allele origin: germline.
Comment: This sequence change replaces tyrosine, which is neutral and polar, with cysteine, which is neutral and slightly polar, at codon 793 of the EYS protein (p.Tyr793Cys). This variant is present in population databases (no rsID available, gnomAD 0.008%). This variant has not been reported in the literature in individuals affected with EYS-related conditions. ClinVar contains an entry for this variant (Variation ID: 940113). Algorithms developed to predict the effect of missense changes on protein structure and function (SIFT, PolyPhen-2, Align-GVGD) all suggest that this variant is likely to be disruptive. In summary, the available evidence is currently insufficient to determine the role of this variant in disease. Therefore, it has been classified as a Variant of Uncertain Significance.

Natera, Inc.
Classification: Uncertain significance for Retinitis pigmentosa type 25. Last evaluated: 2021-02-10. Review status: no assertion criteria provided. Collection method: clinical testing. Allele origin: germline. Not counted in ClinVar's aggregate classification.